The following is an entry in ClinVar:

ClinVar aggregate classification (germline): Uncertain significance. Review status: criteria provided, multiple submitters, no conflicts (2 of 4 stars). 3 submissions from 3 submitters: Uncertain significance (2). 1 of the submissions does not count toward it. Last evaluated 2025-01-16.

Conditions:
Cystic fibrosis (CF). Also called: MUCOVISCIDOSIS. Identifiers: Orphanet 586, MedGen C0010674, MONDO:0009061, OMIM 219700. Disease mechanism: loss of function.
CFTR-related disorder (CFTR-RD). Also called: CFTR-related disorders; CFTR-related condition. Identifiers: MedGen C5924204, MONDO:7770004.

Allele frequency attached by ClinVar (database versions not stated): gnomAD 0.00001; TOPMed 0.00002; gnomAD exomes 0.00006 and 0.00001; ExAC 0.00006.

Submissions (3):

Ambry Genetics
Classification: Uncertain significance for Cystic fibrosis. Last evaluated: 2025-01-16. Review status: criteria provided, single submitter. Criteria: Ambry Variant Classification Scheme 2023. Collection method: clinical testing. Allele origin: germline.
Comment: The p.G934S variant (also known as c.2800G>A), located in coding exon 17 of the CFTR gene, results from a G to A substitution at nucleotide position 2800. The glycine at codon 934 is replaced by serine, an amino acid with similar properties. This amino acid position is highly conserved in available vertebrate species. In addition, this alteration is predicted to be deleterious by in silico analysis. Based on the available evidence, the clinical significance of this variant remains unclear.

Labcorp Genetics (formerly Invitae), Labcorp
Classification: Uncertain significance for Cystic fibrosis. Last evaluated: 2024-04-15. Review status: criteria provided, single submitter. Criteria: Invitae Variant Classification Sherloc (09022015). Collection method: clinical testing. Allele origin: germline.
Comment: This sequence change replaces glycine, which is neutral and non-polar, with serine, which is neutral and polar, at codon 934 of the CFTR protein (p.Gly934Ser). This variant is present in population databases (rs750655055, gnomAD 0.08%). This variant has not been reported in the literature in individuals affected with CFTR-related conditions. ClinVar contains an entry for this variant (Variation ID: 1039311). Advanced modeling of protein sequence and biophysical properties (such as structural, functional, and spatial information, amino acid conservation, physicochemical variation, residue mobility, and thermodynamic stability) has been performed at Invitae for this missense variant, however the output from this modeling did not meet the statistical confidence thresholds required to predict the impact of this variant on CFTR protein function. In summary, the available evidence is currently insufficient to determine the role of this variant in disease. Therefore, it has been classified as a Variant of Uncertain Significance.

Natera, Inc.
Classification: Uncertain significance for CFTR-related disorders. Last evaluated: 2018-09-02. Review status: no assertion criteria provided. Collection method: clinical testing. Allele origin: germline. Not counted in ClinVar's aggregate classification.

NM_000492.4(CFTR):c.2800G>A (p.Gly934Ser)

Gene: CFTR (CF transmembrane conductance regulator; plus strand). Cytogenetic location: 7q31.2.
Variant type: single nucleotide variant.
Coding change: c.2800G>A on transcript NM_000492.4 (MANE Select); coding-DNA position 2800, G replaced by A.
Protein change: p.Gly934Ser; replaces glycine 934 with serine.
Molecular consequence: missense variant.
Genome position (GRCh38, 1-based): chr7:117,603,674, G>A. VCF-style: chr7-117603674-G-A. GRCh37 (hg19) VCF-style: chr7-117243728-G-A.
Other names: c.2800G>A (NM_000492.3); short protein forms G934S.
Identifiers: ClinVar variation 1039311 (VCV001039311.6), dbSNP rs750655055, ClinGen allele CA4451288.